The following is an entry in ClinVar:

ClinVar aggregate classification (germline): Likely pathogenic (1 of 4 stars; one submission).

Conditions:
Dilated cardiomyopathy 1G (CMD1G). Identifiers: Orphanet 154, MedGen C1858763, MONDO:0011400, OMIM 604145.
Autosomal recessive limb-girdle muscular dystrophy type 2J (LGMDR10). Also called: Limb-girdle muscular dystrophy, type 2J; MUSCULAR DYSTROPHY, LIMB-GIRDLE, AUTOSOMAL RECESSIVE 10. Identifiers: Orphanet 140922, MedGen C1837342, MONDO:0012127, OMIM 608807.

Submission:

Labcorp Genetics (formerly Invitae), Labcorp
Classification: Likely pathogenic for Dilated cardiomyopathy 1G; Autosomal recessive limb-girdle muscular dystrophy type 2J. Last evaluated: 2020-09-24. Review status: criteria provided, single submitter. Criteria: Invitae Variant Classification Sherloc (09022015). Collection method: clinical testing. Allele origin: germline.
Comment: In summary, the currently available evidence indicates that the variant is pathogenic, but additional data are needed to prove that conclusively. Therefore, this variant has been classified as Likely Pathogenic. This variant is located in the A band of TTN (PMID: 25589632). Truncating variants in this region are significantly overrepresented in patients affected with dilated cardiomyopathy (PMID: 25589632). Truncating variants in this region have also been reported in individuals affected with autosomal recessive centronuclear myopathy (PMID: 23975875). This variant has not been reported in the literature in individuals with TTN-related conditions. This variant is not present in population databases (ExAC no frequency). This sequence change results in a premature translational stop signal in the TTN gene (p.Glu31998Asnfs*12). While this is not anticipated to result in nonsense mediated decay, it is expected to create a truncated TTN protein.

Literature cited by the submitters: PubMed 25589632; PubMed 23975875.

NM_001267550.2(TTN):c.95992del (p.Glu31998fs)

Genes: TTN-AS1 (TTN antisense RNA 1; plus strand), TTN (titin; minus strand). Cytogenetic location: 2q31.2.
Variant type: Deletion.
Coding change: c.95992del on transcript NM_001267550.2 (MANE Select); coding-DNA position 95992, one base deleted (G; older notation c.95992delG).
Protein change: p.Glu31998fs; shifts the reading frame from glutamic acid 31998.
Molecular consequence: frameshift variant.
Genome position (GRCh38, 1-based): chr2:178,544,237, C deleted on the plus strand (G on the coding strand, the reverse complement: TTN is on the minus strand). VCF-style (leftmost placement, unchanged base first): chr2-178544236-TC-T. GRCh37 (hg19) VCF-style: chr2-179408963-TC-T.
Other names: c.91069del, p.Glu30357fs (NM_001256850.1); c.68797del, p.Glu22933fs (NM_003319.4); c.88288del, p.Glu29430fs (NM_133378.4); c.69172del, p.Glu23058fs (NM_133432.3); c.69373del, p.Glu23125fs (NM_133437.4); short protein forms E22933fs, E23058fs, E23125fs, E29430fs, E30357fs, E31998fs.
Identifiers: ClinVar variation 1068001 (VCV001068001.9), dbSNP rs2154144138, ClinGen allele CA2499215292.